The following is an entry in ClinVar:

ClinVar aggregate classification (germline): Uncertain significance (1 of 4 stars; one submission).

Conditions:
Developmental and epileptic encephalopathy, 30 (DEE30). Also called: Epileptic encephalopathy, early infantile, 30. Identifiers: MedGen C4225360, MONDO:0014595, OMIM 616341.

Submission:

Labcorp Genetics (formerly Invitae), Labcorp
Classification: Uncertain significance for Developmental and epileptic encephalopathy, 30. Last evaluated: 2025-01-14. Review status: criteria provided, single submitter. Criteria: Invitae Variant Classification Sherloc (09022015). Collection method: clinical testing. Allele origin: germline.
Comment: This sequence change replaces valine, which is neutral and non-polar, with leucine, which is neutral and non-polar, at codon 612 of the SIK1 protein (p.Val612Leu). This variant is not present in population databases (gnomAD no frequency). This variant has not been reported in the literature in individuals affected with SIK1-related conditions. Invitae Evidence Modeling of protein sequence and biophysical properties (such as structural, functional, and spatial information, amino acid conservation, physicochemical variation, residue mobility, and thermodynamic stability) indicates that this missense variant is not expected to disrupt SIK1 protein function with a negative predictive value of 95%. In summary, the available evidence is currently insufficient to determine the role of this variant in disease. Therefore, it has been classified as a Variant of Uncertain Significance.

NM_173354.5(SIK1):c.1834G>C (p.Val612Leu)

Gene: SIK1 (salt inducible kinase 1; minus strand). Cytogenetic location: 21q22.3.
Variant type: single nucleotide variant.
Coding change: c.1834G>C on transcript NM_173354.5 (MANE Select); coding-DNA position 1834, G replaced by C.
Protein change: p.Val612Leu; replaces valine 612 with leucine.
Molecular consequence: missense variant.
Genome position (GRCh38, 1-based): chr21:43,417,685, C>G on the plus strand (G>C on the coding strand, the complement: SIK1 is on the minus strand). VCF-style: chr21-43417685-C-G. GRCh37 (hg19) VCF-style: chr21-44837565-C-G.
Other names: short protein forms V612L.
Identifiers: ClinVar variation 3620483 (VCV003620483.2).